The following is an entry in ClinVar:

NM_003036.4(SKI):c.114C>G (p.Phe38Leu)

Gene: SKI (SKI proto-oncogene; plus strand). Cytogenetic location: 1p36.33.
Variant type: single nucleotide variant.
Coding change: c.114C>G on transcript NM_003036.4 (MANE Select); coding-DNA position 114, C replaced by G.
Protein change: p.Phe38Leu; replaces phenylalanine 38 with leucine.
Molecular consequence: missense variant.
Genome position (GRCh38, 1-based): chr1:2,228,880, C>G. VCF-style: chr1-2228880-C-G. GRCh37 (hg19) VCF-style: chr1-2160319-C-G.
Other names: short protein forms F38L.
Identifiers: ClinVar variation 3442297 (VCV003442297.1).

ClinVar aggregate classification (germline): Uncertain significance (1 of 4 stars; one submission).

Conditions:
Familial thoracic aortic aneurysm and aortic dissection (TAAD). Also called: Thoracic aortic aneurysms and dissections. Identifiers: Orphanet 91387, MedGen C4707243, MONDO:0019625.

Submission:

Ambry Genetics
Classification: Uncertain significance for Familial thoracic aortic aneurysm and aortic dissection. Last evaluated: 2024-10-19. Review status: criteria provided, single submitter. Criteria: Ambry Variant Classification Scheme 2023. Collection method: clinical testing. Allele origin: germline.
Comment: The p.F38L variant (also known as c.114C>G), located in coding exon 1 of the SKI gene, results from a C to G substitution at nucleotide position 114. The phenylalanine at codon 38 is replaced by leucine, an amino acid with highly similar properties. This amino acid position is conserved. In addition, the in silico prediction for this alteration is inconclusive. Based on the available evidence, the clinical significance of this variant remains unclear.